The following is an entry in ClinVar:

NM_004168.4(SDHA):c.169G>A (p.Val57Ile)

Gene: SDHA (succinate dehydrogenase complex flavoprotein subunit A; plus strand). Cytogenetic location: 5p15.33.
Variant type: single nucleotide variant.
Coding change: c.169G>A on transcript NM_004168.4 (MANE Select); coding-DNA position 169, G replaced by A.
Protein change: p.Val57Ile; replaces valine 57 with isoleucine.
Molecular consequence: missense variant.
Genome position (GRCh38, 1-based): chr5:224,378, G>A. VCF-style: chr5-224378-G-A. GRCh37 (hg19) VCF-style: chr5-224493-G-A.
Other names: c.169G>A, p.Val57Ile (NM_001294332.2, NM_001330758.2); c.169G>A (NM_004168.2); short protein forms V57I.
Identifiers: ClinVar variation 1348547 (VCV001348547.9), dbSNP rs1060503724, ClinGen allele CA359008405.

ClinVar aggregate classification (germline): Uncertain significance. Review status: criteria provided, multiple submitters, no conflicts (2 of 4 stars). 2 submissions from 2 submitters: Uncertain significance (2). Last evaluated 2025-09-08.

Conditions:
Mitochondrial complex II deficiency, nuclear type 1. Also called: SUCCINATE CoQ REDUCTASE DEFICIENCY. Identifiers: Orphanet 3208, MedGen C5700310, MONDO:0100294, OMIM 252011.
Pheochromocytoma/paraganglioma syndrome 5. Also called: Paragangliomas 5; SDHA-Related Hereditary Paraganglioma-Pheochromocytoma Syndrome. Identifiers: Orphanet 29072, MedGen C3279992, MONDO:0013602, OMIM 614165.
Hereditary cancer-predisposing syndrome. Also called: Tumor predisposition; Hereditary Cancer Syndrome; Hereditary neoplastic syndrome; Neoplastic Syndromes, Hereditary. Identifiers: Orphanet 140162, MedGen C0027672, MeSH D009386, MONDO:0015356.

Allele frequency attached by ClinVar (database versions not stated): gnomAD exomes below 0.00001.

Submissions (2):

Labcorp Genetics (formerly Invitae), Labcorp
Classification: Uncertain significance for Pheochromocytoma/paraganglioma syndrome 5; Mitochondrial complex II deficiency, nuclear type 1. Last evaluated: 2025-09-08. Review status: criteria provided, single submitter. Criteria: Invitae Variant Classification Sherloc (09022015). Collection method: clinical testing. Allele origin: germline.
Comment: This sequence change replaces valine, which is neutral and non-polar, with isoleucine, which is neutral and non-polar, at codon 57 of the SDHA protein (p.Val57Ile). This variant is present in population databases (no rsID available, gnomAD 0.007%). This variant has not been reported in the literature in individuals affected with SDHA-related conditions. ClinVar contains an entry for this variant (Variation ID: 1348547). Invitae Evidence Modeling of protein sequence and biophysical properties (such as structural, functional, and spatial information, amino acid conservation, physicochemical variation, residue mobility, and thermodynamic stability) indicates that this missense variant is not expected to disrupt SDHA protein function with a negative predictive value of 95%. In summary, the available evidence is currently insufficient to determine the role of this variant in disease. Therefore, it has been classified as a Variant of Uncertain Significance.

Ambry Genetics
Classification: Uncertain significance for Hereditary cancer-predisposing syndrome. Last evaluated: 2024-08-02. Review status: criteria provided, single submitter. Criteria: Ambry Variant Classification Scheme 2023. Collection method: clinical testing. Allele origin: germline.
Comment: The p.V57I variant (also known as c.169G>A), located in coding exon 3 of the SDHA gene, results from a G to A substitution at nucleotide position 169. The valine at codon 57 is replaced by isoleucine, an amino acid with highly similar properties. This amino acid position is conserved. In addition, the in silico prediction for this alteration is inconclusive. Based on the available evidence, the clinical significance of this variant remains unclear.